The following is an entry in ClinVar:

NM_004415.4(DSP):c.3989T>A (p.Leu1330His)

Gene: DSP (desmoplakin; plus strand). Cytogenetic location: 6p24.3.
Variant type: single nucleotide variant.
Coding change: c.3989T>A on transcript NM_004415.4 (MANE Select); coding-DNA position 3989, T replaced by A.
Protein change: p.Leu1330His; replaces leucine 1330 with histidine.
Molecular consequence: missense variant. On other transcripts: intron variant (1).
Genome position (GRCh38, 1-based): chr6:7,580,179, T>A. VCF-style: chr6-7580179-T-A. GRCh37 (hg19) VCF-style: chr6-7580412-T-A.
Other names: c.3989T>A, p.Leu1330His (NM_001319034.2); c.3582+407T>A (NM_001008844.3); short protein forms L1330H.
Identifiers: ClinVar variation 2775302 (VCV002775302.2), dbSNP rs2533926953, ClinGen allele CA362685301.

ClinVar aggregate classification (germline): Uncertain significance (1 of 4 stars; one submission).

Conditions:
Cardiomyopathy (CMYO). Also called: Cardiomyopathies. Identifiers: Orphanet 167848, MedGen C0878544, MONDO:0004994, HP:0001638. Inheritance: Various modes of inheritance.

Submission:

Color Diagnostics, LLC DBA Color Health
Classification: Uncertain significance for Cardiomyopathy. Last evaluated: 2024-03-06. Review status: criteria provided, single submitter. Criteria: ACMG Guidelines, 2015. Collection method: clinical testing. Allele origin: germline.
Comment: This missense variant replaces leucine with histidine at codon 1330 of the DSP protein. Computational prediction is inconclusive regarding the impact of this variant on protein structure and function (internally defined REVEL score threshold 0.5 < inconclusive < 0.7, PMID: 27666373). To our knowledge, functional studies have not been reported for this variant. This variant has not been reported in individuals affected with cardiovascular disorders in the literature. This variant has not been identified in the general population by the Genome Aggregation Database (gnomAD). The available evidence is insufficient to determine the role of this variant in disease conclusively. Therefore, this variant is classified as a Variant of Uncertain Significance.